The following is an entry in ClinVar:

NM_004174.4(SLC9A3):c.1144C>T (p.Arg382Trp)

Gene: SLC9A3 (solute carrier family 9 member A3). Cytogenetic location: 5p15.33.
Variant type: single nucleotide variant.
Coding change: c.1144C>T on transcript NM_004174.4 (MANE Select); coding-DNA position 1144, C replaced by T.
Protein change: p.Arg382Trp; replaces arginine 382 with tryptophan.
Molecular consequence: missense variant.
Genome position (GRCh38, 1-based): chr5:483,271, G>A on the plus strand (C>T on the coding strand, the complement: SLC9A3 is on the minus strand). VCF-style: chr5-483271-G-A. GRCh37 (hg19) VCF-style: chr5-483386-G-A.
Other names: c.1144C>T, p.Arg382Trp (NM_001284351.3); short protein forms R382W.
Identifiers: ClinVar variation 1441769 (VCV001441769.3), dbSNP rs751112951, ClinGen allele CA3176082.
Genomic context (GRCh38, chr5:483,271, plus strand): 5'-ACGGTGCCGGCCCATCGGTGGTCCCACGGCCGCAACCCGGCCCCGCCTCACCGATGGCCC[G>A]GTACACGGAGATGAAGACCAGCGTCAGGAGCACGAAGGCCGTGTTCCAGGTCCAGATGAA-3'
Protein context (NP_004165.2, residues 372-392): LLTLVFISVY[Arg382Trp]AIGVVLQTWL

ClinVar aggregate classification (germline): Uncertain significance (1 of 4 stars; one submission).

Allele frequency attached by ClinVar (database versions not stated): gnomAD exomes 0.00001.
gnomAD v4.1: 5 of 1,545,870 alleles (0.00032%); highest among the groups gnomAD compares: Non-Finnish European, 0.00044%; no homozygotes.

Submission:

Labcorp Genetics (formerly Invitae), Labcorp
Classification: Uncertain significance. Last evaluated: 2021-08-22. Review status: criteria provided, single submitter. Criteria: Invitae Variant Classification Sherloc (09022015). Collection method: clinical testing. Allele origin: germline.
Comment: This sequence change replaces arginine with tryptophan at codon 382 of the SLC9A3 protein (p.Arg382Trp). The arginine residue is highly conserved and there is a moderate physicochemical difference between arginine and tryptophan. The frequency data for this variant in the population databases is considered unreliable, as metrics indicate poor data quality at this position in the ExAC database. This variant has not been reported in the literature in individuals affected with SLC9A3-related conditions. Algorithms developed to predict the effect of missense changes on protein structure and function are either unavailable or do not agree on the potential impact of this missense change (SIFT: "Not Available"; PolyPhen-2: "Probably Damaging"; Align-GVGD: "Not Available"). In summary, the available evidence is currently insufficient to determine the role of this variant in disease. Therefore, it has been classified as a Variant of Uncertain Significance.